The following is an entry in ClinVar:

ClinVar aggregate classification (germline): Pathogenic. Review status: reviewed by expert panel (3 of 4 stars). 3 submissions from 3 submitters: Pathogenic (1). 2 of the submissions do not count toward it. Last evaluated 2022-04-07.

Conditions:
Glanzmann thrombasthenia 2. Also called: BLEEDING DISORDER, PLATELET-TYPE, 23. Identifiers: MedGen C5543273, MONDO:0031009, OMIM 619267.
Glanzmann thrombasthenia. Also called: PLATELET GLYCOPROTEIN IIb-IIIa DEFICIENCY; Glanzmann's thrombasthenia; BLEEDING DISORDER, PLATELET-TYPE, 2; THROMBASTHENIA OF GLANZMANN AND NAEGELI; Thrombasthenia. Identifiers: Orphanet 849, MedGen C0040015, MONDO:0100326.

Allele frequency attached by ClinVar (database versions not stated): gnomAD exomes below 0.00001.

Submissions (3):

ClinGen Platelet Disorders Variant Curation Expert Panel, ClinGen
Classification: Pathogenic for Glanzmann thrombasthenia. Last evaluated: 2022-04-07. Review status: reviewed by expert panel. Criteria: ClinGen Platelet ACMG Specifications v2-1. Collection method: curation. Allele origin: germline. Inheritance: Autosomal recessive inheritance.
Comment: NM_000212.3(ITGB3):c.2031_2041del in exon 13/15 is a frameshift variant creating p.(Asp677Glufs*4), where it is predicted to cause a premature stop codon and lead to nonsense mediated decay in a gene in which loss-of-function is an established disease mechanism (PVS1). This is thought to be a founder variant in the Iraqi-Jewish population and has been identified in at least 12 patients from 9 kindreds (PMID: 2014236). At least two patients (Patients 2 and 4 in PMID: 30078718) with this variant displayed mucocutaneous bleeding and impaired aggregation with all agonists except ristocetin, which is highly specific for Glanzmann thrombasthenia (PP4_moderate). Additionally, alphaIIbbeta3 surface expression was absent as measured by flow cytometry. This variant is absent from gnomAD v2.1.1 (PM2_Supporting). In summary, this variant meets the criteria to be classified as Pathogenic for autosomal recessive Glanzmann Thrombasthenia based on the ACMG/AMP criteria applied, as specified by the ClinGen PD VCEP: PVS1, PP4_moderate, PM2_supporting, PM3_supporting. (VCEP specifications version 2; date of approval 01/18/2022)

Labcorp Genetics (formerly Invitae), Labcorp
Classification: Pathogenic. Last evaluated: 2024-01-11. Review status: criteria provided, single submitter. Criteria: Invitae Variant Classification Sherloc (09022015). Collection method: clinical testing. Allele origin: germline. Not counted in ClinVar's aggregate classification.
Comment: This sequence change creates a premature translational stop signal (p.Asp677Glufs*4) in the ITGB3 gene. It is expected to result in an absent or disrupted protein product. Loss-of-function variants in ITGB3 are known to be pathogenic (PMID: 21917754). This variant is not present in population databases (gnomAD no frequency). This premature translational stop signal has been observed in individual(s) with Glanzmann's thrombasthenia (PMID: 2014236). This variant is also known as 11-bp deletion starting at base 2051. ClinVar contains an entry for this variant (Variation ID: 1691479). For these reasons, this variant has been classified as Pathogenic.

OMIM
Classification: Pathogenic for GLANZMANN THROMBASTHENIA 2. Last evaluated: 1991-04-15. Review status: no assertion criteria provided. Collection method: literature only. Allele origin: germline. Not counted in ClinVar's aggregate classification.

Literature cited by the submitters: PubMed 21917754 (cited by Labcorp Genetics (formerly Invitae), Labcorp); PubMed 2014236 (cited by Labcorp Genetics (formerly Invitae), Labcorp and OMIM).

NM_000212.3(ITGB3):c.2031_2041del (p.Asp677fs)

Gene: ITGB3 (integrin subunit beta 3; plus strand). Cytogenetic location: 17q21.32.
Variant type: Deletion.
Coding change: c.2031_2041del on transcript NM_000212.3 (MANE Select); coding-DNA positions 2031 to 2041, 11 bases deleted (TGCAGTGAATT).
Protein change: p.Asp677fs; shifts the reading frame from aspartic acid 677.
Molecular consequence: frameshift variant.
Genome position (GRCh38, 1-based): chr17:47,302,737-47,302,747, TGCAGTGAATT deleted. VCF-style (leftmost placement, unchanged base first): chr17-47302736-ATGCAGTGAATT-A. GRCh37 (hg19) VCF-style: chr17-45380102-ATGCAGTGAATT-A.
Other names: NM_000212.3:c.2031_2041del; short protein forms D677fs.
Identifiers: ClinVar variation 1691479 (VCV001691479.6), dbSNP rs2143138089, ClinGen allele CA915940605.